The following is an entry in ClinVar:

NM_001330239.4(TJP1):c.5106C>T (p.Pro1702=)

Gene: TJP1 (tight junction protein 1; minus strand). Cytogenetic location: 15q13.1.
Variant type: single nucleotide variant.
Coding change: c.5106C>T on transcript NM_001330239.4 (MANE Select); coding-DNA position 5106, C replaced by T.
Protein change: p.Pro1702=; no amino-acid change (proline 1702 retained).
Molecular consequence: synonymous variant.
Genome position (GRCh38, 1-based): chr15:29,704,268, G>A on the plus strand (C>T on the coding strand, the complement: TJP1 is on the minus strand). VCF-style: chr15-29704268-G-A. GRCh37 (hg19) VCF-style: chr15-29996472-G-A.
Other names: c.5385C>T, p.Pro1795= (NM_001301025.3, NM_001355012.2); c.4878C>T, p.Pro1626= (NM_001301026.2); c.5118C>T, p.Pro1706= (NM_001355013.1); c.5106C>T, p.Pro1702= (NM_001355014.2, NM_003257.5); c.4866C>T, p.Pro1622= (NM_001355015.2, NM_175610.4).
Identifiers: ClinVar variation 3035457 (VCV003035457.2), dbSNP rs377130760, ClinGen allele CA7446356.

ClinVar aggregate classification (germline): Likely benign (0 of 4 stars; one submission).

Conditions:
TJP1-related disorder. Also called: TJP1-related condition.

Allele frequency attached by ClinVar (database versions not stated): gnomAD exomes 0.00002; gnomAD 0.00007; ExAC 0.00008; TOPMed 0.00011.
gnomAD v4.1: 103 of 1,598,932 alleles (0.0064%); highest among the groups gnomAD compares: East Asian, 0.045%; 3 homozygotes.

Submission:

PreventionGenetics, part of Exact Sciences
Classification: Likely benign for TJP1-related condition. Last evaluated: 2019-02-20. Review status: no assertion criteria provided. Collection method: clinical testing. Allele origin: germline.
Comment: This variant is classified as likely benign based on ACMG/AMP sequence variant interpretation guidelines (Richards et al. 2015 PMID: 25741868, with internal and published modifications).